The following is an entry in ClinVar:

ClinVar aggregate classification (germline): Conflicting classifications of pathogenicity. Review status: criteria provided, conflicting classifications (1 of 4 stars). 6 submissions from 6 submitters: Pathogenic (3); Likely pathogenic (2); Uncertain significance (1). Last evaluated 2026-05-11.

Conditions:
Pili torti-deafness syndrome (BJS). Also called: PILI TORTI AND NERVE DEAFNESS; Bjornstad syndrome. Identifiers: Orphanet 123, MedGen C0266006, MONDO:0009872, OMIM 262000.
GRACILE syndrome (FLNMS). Also called: FELLMAN SYNDROME; FINNISH LETHAL NEONATAL METABOLIC SYNDROME. Identifiers: Orphanet 53693, MedGen C1864002, MONDO:0011308, OMIM 603358.
BCS1L-related disorder. Also called: BCS1L-related condition; BCS1L-related disorders. Identifiers: MedGen CN239240.
Mitochondrial complex III deficiency nuclear type 1. Identifiers: Orphanet 254902, MedGen C3541471, MONDO:0007415, OMIM 124000.

Allele frequency attached by ClinVar (database versions not stated): gnomAD exomes 0.00001.
gnomAD v4.1: 11 of 1,614,142 alleles (0.00068%); highest among the groups gnomAD compares: South Asian, 0.0022%; no homozygotes.

Submissions (6):

Myriad Genetics, Inc.
Classification: Uncertain significance for BCS1L-related disorder. Last evaluated: 2026-05-11. Review status: criteria provided, single submitter. Criteria: Myriad Autosomal Dominant, Autosomal Recessive and X-Linked Classification Criteria (2023). Collection method: clinical testing. Allele origin: unknown.
Comment: NM_004328.4(BCS1L):c.916C>T(R306C) is a missense variant classified as a variant of uncertain significance in the context of BCS1L-related disorders. R306C has been observed in cases with relevant disease (PMID: 24236502, 25895478). Relevant functional assessments of this variant are not available in the literature. R306C has been observed in referenced population frequency databases. In summary, there is insufficient evidence to classify NM_004328.4(BCS1L):c.916C>T(R306C) as pathogenic or benign. Please note: this variant was assessed in the context of healthy population screening.

Labcorp Genetics (formerly Invitae), Labcorp
Classification: Pathogenic. Last evaluated: 2026-01-28. Review status: criteria provided, single submitter. Criteria: Invitae Variant Classification Sherloc (09022015). Collection method: clinical testing. Allele origin: germline.
Comment: This sequence change replaces arginine, which is basic and polar, with cysteine, which is neutral and slightly polar, at codon 306 of the BCS1L protein (p.Arg306Cys). This variant is present in population databases (no rsID available, gnomAD 0.003%). This missense change has been observed in individual(s) with Bjornstad syndrome (PMID: 24236502, 25895478). In at least one individual the data is consistent with being in trans (on the opposite chromosome) from a pathogenic variant. It has also been observed to segregate with disease in related individuals. ClinVar contains an entry for this variant (Variation ID: 1457638). Invitae Evidence Modeling of protein sequence and biophysical properties (such as structural, functional, and spatial information, amino acid conservation, physicochemical variation, residue mobility, and thermodynamic stability) has been performed for this missense variant. However, the output from this modeling did not meet the statistical confidence thresholds required to predict the impact of this variant on BCS1L protein function. This variant disrupts the p.Arg306 amino acid residue in BCS1L. Other variant(s) that disrupt this residue have been determined to be pathogenic (PMID: 17314340, 28105683). This suggests that this residue is clinically significant, and that variants that disrupt this residue are likely to be disease-causing. For these reasons, this variant has been classified as Pathogenic.

Natera, Inc.
Classification: Likely pathogenic for GRACILE syndrome. Last evaluated: 2025-11-18. Review status: criteria provided, single submitter. Criteria: Natera Variant Classification Schema (03/2026). Collection method: clinical testing. Allele origin: germline.
Comment: The c.916C>T variant in BCS1L is a missense variant predicted to cause substitution of arginine to cysteine at amino acid 306. This variant is rare in the general population with a frequency below the threshold expected for the associated phenotype(s). This variant has been observed in one or more individuals affected with the associated recessive disease, as either homozygous or compound heterozygous with a second variant (PMID: 24236502, 25895478). Additionally, this variant has been observed to segregate in affected family members (PMID: 25895478). A different variant at the same position has been determined to be Pathogenic or Likely Pathogenic. Computational prediction algorithms indicate this variant is likely to affect gene or protein function. Given the available evidence, this variant is classified as Likely Pathogenic.

Baylor Genetics
Classification: Pathogenic for Pili torti-deafness syndrome. Last evaluated: 2023-12-06. Review status: criteria provided, single submitter. Criteria: ACMG Guidelines, 2015. Collection method: clinical testing. Allele origin: unknown.

Department of Pathology and Laboratory Medicine, Sinai Health System
Classification: Pathogenic for Mitochondrial complex III deficiency nuclear type 1. Last evaluated: 2023-09-19. Review status: criteria provided, single submitter. Criteria: ACMG Guidelines, 2015. Collection method: research. Allele origin: germline.

Fulgent Genetics
Classification: Likely pathogenic for Mitochondrial complex III deficiency nuclear type 1; Pili torti-deafness syndrome; GRACILE syndrome. Last evaluated: 2022-01-31. Review status: criteria provided, single submitter. Criteria: ACMG Guidelines, 2015. Collection method: clinical testing. Allele origin: unknown.

Literature cited by the submitters: PubMed 24236502 (cited by 3 submitters); PubMed 25895478 (cited by 3 submitters); PubMed 17314340 (cited by Labcorp Genetics (formerly Invitae), Labcorp); PubMed 28105683 (cited by Labcorp Genetics (formerly Invitae), Labcorp).

NM_001079866.2(BCS1L):c.916C>T (p.Arg306Cys)

Gene: BCS1L (BCS1 ubiquinol-cytochrome c reductase complex chaperone; plus strand). Cytogenetic location: 2q35.
Variant type: single nucleotide variant.
Coding change: c.916C>T on transcript NM_001079866.2 (MANE Select); coding-DNA position 916, C replaced by T.
Protein change: p.Arg306Cys; replaces arginine 306 with cysteine.
Molecular consequence: missense variant. On other transcripts: non-coding transcript variant (1).
Genome position (GRCh38, 1-based): chr2:218,662,909, C>T. VCF-style: chr2-218662909-C-T. GRCh37 (hg19) VCF-style: chr2-219527632-C-T.
Other names: c.916C>T, p.Arg306Cys (NM_001257342.2, NM_001257343.2, NM_001257344.2 and 10 more transcripts); c.556C>T, p.Arg186Cys (NM_001318836.2, NM_001371451.1); c.415C>T, p.Arg139Cys (NM_001371452.1, NM_001371453.1, NM_001371454.1 and 3 more transcripts); c.916C>T (NM_004328.4); short protein forms R139C, R306C, R186C.
Identifiers: ClinVar variation 1457638 (VCV001457638.14), dbSNP rs1197613485, ClinGen allele CA350630751.